The following is an entry in ClinVar:

ClinVar aggregate classification (germline): Uncertain significance (1 of 4 stars; one submission).

Conditions:
Evans syndrome, immunodeficiency, and premature immunosenescence associated with tripeptidyl-peptidase II deficiency. Identifiers: MedGen CN231723. Disease mechanism: loss of function.

Allele frequency attached by ClinVar (database versions not stated): gnomAD 0.00001; TOPMed 0.00001; ESP Exome Variant Server 0.00008.
gnomAD v4.1: 12 of 1,613,730 alleles (0.00074%); highest among the groups gnomAD compares: Non-Finnish European, 0.001%; no homozygotes.

Submission:

Labcorp Genetics (formerly Invitae), Labcorp
Classification: Uncertain significance for Evans syndrome, immunodeficiency, and premature immunosenescence associated with tripeptidyl-peptidase II deficiency. Last evaluated: 2022-06-20. Review status: criteria provided, single submitter. Criteria: Invitae Variant Classification Sherloc (09022015). Collection method: clinical testing. Allele origin: germline.
Comment: In summary, the available evidence is currently insufficient to determine the role of this variant in disease. Therefore, it has been classified as a Variant of Uncertain Significance. Algorithms developed to predict the effect of missense changes on protein structure and function (SIFT, PolyPhen-2, Align-GVGD) all suggest that this variant is likely to be tolerated. This variant has not been reported in the literature in individuals affected with TPP2-related conditions. This variant is present in population databases (rs142623109, gnomAD 0.002%). This sequence change replaces arginine, which is basic and polar, with lysine, which is basic and polar, at codon 865 of the TPP2 protein (p.Arg865Lys).

NM_001330588.2(TPP2):c.2594G>A (p.Arg865Lys)

Gene: TPP2 (tripeptidyl peptidase 2; plus strand). Cytogenetic location: 13q33.1.
Variant type: single nucleotide variant.
Coding change: c.2594G>A on transcript NM_001330588.2 (MANE Select); coding-DNA position 2594, G replaced by A.
Protein change: p.Arg865Lys; replaces arginine 865 with lysine.
Molecular consequence: missense variant. On other transcripts: non-coding transcript variant (1).
Genome position (GRCh38, 1-based): chr13:102,647,310, G>A. VCF-style: chr13-102647310-G-A. GRCh37 (hg19) VCF-style: chr13-103299660-G-A.
Other names: c.2594G>A, p.Arg865Lys (NM_001367947.1, NM_003291.4); short protein forms R865K.
Identifiers: ClinVar variation 2065287 (VCV002065287.2), dbSNP rs142623109, ClinGen allele CA7038045.